The following is an entry in ClinVar:

ClinVar aggregate classification (germline): Uncertain significance (1 of 4 stars; one submission).

Allele frequency attached by ClinVar (database versions not stated): gnomAD exomes below 0.00001 and 0.00001; TOPMed below 0.00001; gnomAD 0.00001; ExAC 0.00002; ESP Exome Variant Server 0.00008.
gnomAD v4.1: 6 of 1,613,868 alleles (0.00037%); highest among the groups gnomAD compares: Non-Finnish European, 0.00051%; no homozygotes.

Submission:

GeneDx
Classification: Uncertain significance. Last evaluated: 2019-09-03. Review status: criteria provided, single submitter. Criteria: GeneDx Variant Classification Process June 2021. Collection method: clinical testing. Allele origin: germline. Affected: yes.
Comment: Not observed at a significant frequency in large population cohorts (Lek et al., 2016); In silico analysis, which includes protein predictors and evolutionary conservation, supports a deleterious effect; Has not been previously published as pathogenic or benign to our knowledge

NM_021942.6(TRAPPC11):c.1329C>G (p.Phe443Leu)

Gene: TRAPPC11 (trafficking protein particle complex subunit 11; plus strand). Cytogenetic location: 4q35.1.
Variant type: single nucleotide variant.
Coding change: c.1329C>G on transcript NM_021942.6 (MANE Select); coding-DNA position 1329, C replaced by G.
Protein change: p.Phe443Leu; replaces phenylalanine 443 with leucine.
Molecular consequence: missense variant.
Genome position (GRCh38, 1-based): chr4:183,684,186, C>G. VCF-style: chr4-183684186-C-G. GRCh37 (hg19) VCF-style: chr4-184605339-C-G.
Other names: c.1329C>G, p.Phe443Leu (NM_199053.3); short protein forms F443L.
Identifiers: ClinVar variation 1302212 (VCV001302212.2), dbSNP rs368173953, ClinGen allele CA3151881.